The following is an entry in ClinVar:

ClinVar aggregate classification (germline): Uncertain significance (1 of 4 stars; one submission).

Conditions:
Chuvash polycythemia. Also called: POLYCYTHEMIA, VHL-DEPENDENT. Identifiers: Orphanet 238557, MedGen C1837915, MONDO:0009892, OMIM 263400.
Von Hippel-Lindau syndrome (VHLS). Also called: Von Hippel-Lindau; von Hippel–Lindau syndrome; VHL syndrome. Identifiers: Orphanet 892, MedGen C0019562, MONDO:0008667, OMIM 193300. Disease mechanism: loss of function.

Submission:

Labcorp Genetics (formerly Invitae), Labcorp
Classification: Uncertain significance for Von Hippel-Lindau syndrome; Chuvash polycythemia. Last evaluated: 2022-01-27. Review status: criteria provided, single submitter. Criteria: Invitae Variant Classification Sherloc (09022015). Collection method: clinical testing. Allele origin: germline.
Comment: This variant is not present in population databases (gnomAD no frequency). This sequence change falls in intron 1 of the VHL gene. It is not expected to change the encoded amino acid sequence of the VHL protein. However, this sequence change falls within a cryptic exon in the VHL gene, known as exon E1’, which is naturally expressed at low levels in several human tissues (PMID: 29891534). This variant has not been reported in the literature in individuals affected with VHL-related conditions. In summary, the available evidence is currently insufficient to determine the role of this variant in disease. Therefore, it has been classified as a Variant of Uncertain Significance. Experimental studies and prediction algorithms are not available or were not evaluated, and the functional significance of this variant is currently unknown.

Literature cited by the submitters: PubMed 29891534.

NM_000551.4(VHL):c.340+665G>A

Genes: VHL (von Hippel-Lindau tumor suppressor; plus strand), LOC107303340 (3p25 von Hippel-Lindau tumor suppressor, E3 ubiquitin protein ligase Alu-mediated recombination region; plus strand). Cytogenetic location: 3p25.3.
Variant type: single nucleotide variant.
Coding change: c.340+665G>A on transcript NM_000551.4 (MANE Select); 665 bases into the intron after coding-DNA position 340, G replaced by A.
Molecular consequence: intron variant. On other transcripts: missense variant (1).
Genome position (GRCh38, 1-based): chr3:10,142,852, G>A. VCF-style: chr3-10142852-G-A. GRCh37 (hg19) VCF-style: chr3-10184536-G-A.
Other names: c.430G>A, p.Gly144Arg (NM_001354723.2); c.340+665G>A (NM_198156.3); short protein forms G144R.
Identifiers: ClinVar variation 1374243 (VCV001374243.6), dbSNP rs1696160266, ClinGen allele CA2573136108.